The following is an entry in ClinVar:

ClinVar aggregate classification (germline): Uncertain significance (1 of 4 stars; one submission).

Allele frequency attached by ClinVar (database versions not stated): gnomAD 0.00001; TOPMed 0.00002.

Submission:

Labcorp Genetics (formerly Invitae), Labcorp
Classification: Uncertain significance. Last evaluated: 2022-11-01. Review status: criteria provided, single submitter. Criteria: Invitae Variant Classification Sherloc (09022015). Collection method: clinical testing. Allele origin: germline.
Comment: In summary, the available evidence is currently insufficient to determine the role of this variant in disease. Therefore, it has been classified as a Variant of Uncertain Significance. Experimental studies and prediction algorithms are not available or were not evaluated, and the functional significance of this variant is currently unknown. This variant has not been reported in the literature in individuals affected with KCNK4-related conditions. This variant is not present in population databases (gnomAD no frequency). This sequence change replaces cysteine, which is neutral and slightly polar, with arginine, which is basic and polar, at codon 359 of the KCNK4 protein (p.Cys359Arg).

NM_033310.3(KCNK4):c.1075T>C (p.Cys359Arg)

Genes: KCNK4 (potassium two pore domain channel subfamily K member 4; plus strand), KCNK4-CATSPERZ (KCNK4-CATSPERZ readthrough (NMD candidate); plus strand). Cytogenetic location: 11q13.1.
Variant type: single nucleotide variant.
Coding change: c.1075T>C on transcript NM_033310.3 (MANE Select); coding-DNA position 1075, T replaced by C.
Protein change: p.Cys359Arg; replaces cysteine 359 with arginine.
Molecular consequence: missense variant. On other transcripts: non-coding transcript variant (3).
Genome position (GRCh38, 1-based): chr11:64,299,619, T>C. VCF-style: chr11-64299619-T-C. GRCh37 (hg19) VCF-style: chr11-64067091-T-C.
Other names: c.1075T>C, p.Cys359Arg (NM_001317090.2, NM_033311.1); short protein forms C359R.
Identifiers: ClinVar variation 2869738 (VCV002869738.3), dbSNP rs1393939823, ClinGen allele CA381069230.